The following is an entry in ClinVar:

ClinVar aggregate classification (germline): Uncertain significance (0 of 4 stars; one submission).

Conditions:
MYO6-related disorder. Also called: MYO6-related condition; MYO6-related disorders.

Submission:

PreventionGenetics, part of Exact Sciences
Classification: Uncertain significance for MYO6-related condition. Last evaluated: 2024-04-18. Review status: no assertion criteria provided. Collection method: clinical testing. Allele origin: germline.
Comment: The MYO6 c.67G>A variant is predicted to result in the amino acid substitution p.Asp23Asn. To our knowledge, this variant has not been reported in the literature or in a large population database, indicating this variant is rare. At this time, the clinical significance of this variant is uncertain due to the absence of conclusive functional and genetic evidence.

NM_004999.4(MYO6):c.67G>A (p.Asp23Asn)

Gene: MYO6 (myosin VI; plus strand). Cytogenetic location: 6q14.1.
Variant type: single nucleotide variant.
Coding change: c.67G>A on transcript NM_004999.4 (MANE Select); coding-DNA position 67, G replaced by A.
Protein change: p.Asp23Asn; replaces aspartic acid 23 with asparagine.
Molecular consequence: missense variant. On other transcripts: non-coding transcript variant (2).
Genome position (GRCh38, 1-based): chr6:75,817,614, G>A. VCF-style: chr6-75817614-G-A. GRCh37 (hg19) VCF-style: chr6-76527331-G-A.
Other names: c.67G>A, p.Asp23Asn (NM_001300899.2, NM_001368136.1, NM_001368137.1 and 5 more transcripts); short protein forms D23N.
Identifiers: ClinVar variation 3347805 (VCV003347805.1).
Genomic context (GRCh38, chr6:75,817,614, plus strand): 5'-GATGGAAAGCCCGTTTGGGCGCCACACCCTACAGATGGATTTCAGATGGGCAATATTGTG[G>A]ATATTGGCCCCGACAGCTTAACAATTGAACCCTTGAATCAGAAAGGCAAGGTGAGTTTCT-3'
Protein context (NP_004990.3, residues 13-33): TDGFQMGNIV[Asp23Asn]IGPDSLTIEP